The following is an entry in ClinVar:

ClinVar aggregate classification (germline): Uncertain significance. Review status: criteria provided, multiple submitters, no conflicts (2 of 4 stars). 5 submissions from 5 submitters: Uncertain significance (5). Last evaluated 2026-01-21.

Conditions:
FOXE3-related disorder. Also called: FOXE3-related condition.
Anterior segment dysgenesis 1 (ASGD1). Identifiers: MedGen C4551992, MONDO:0007138, OMIM 107250.
Familial thoracic aortic aneurysm and aortic dissection (TAAD). Also called: Thoracic aortic aneurysms and dissections. Identifiers: Orphanet 91387, MedGen C4707243, MONDO:0019625.
Congenital primary aphakia. Also called: ANTERIOR SEGMENT DYSGENESIS 2; Anterior segment dysgenesis 2, multiple subtypes. Identifiers: Orphanet 83461, MedGen C1853230, MONDO:0012456, OMIM 610256.
Anterior segment dysgenesis. Also called: Ocular anterior segment dysgenesis. Identifiers: Orphanet 88632, MedGen C1862839, MONDO:0019503, HP:0007700.
Cardiovascular phenotype. Identifiers: MedGen CN230736.

Submissions (5):

Labcorp Genetics (formerly Invitae), Labcorp
Classification: Uncertain significance for Anterior segment dysgenesis; Congenital primary aphakia. Last evaluated: 2026-01-21. Review status: criteria provided, single submitter. Criteria: Invitae Variant Classification Sherloc (09022015). Collection method: clinical testing. Allele origin: germline.
Comment: This variant, c.581_586del, results in the deletion of 2 amino acid(s) of the FOXE3 protein (p.Ala194_Pro195del), but otherwise preserves the integrity of the reading frame. This variant is present in population databases (no rsID available, gnomAD 0.007%). This variant has not been reported in the literature in individuals affected with FOXE3-related conditions. ClinVar contains an entry for this variant (Variation ID: 655743). Experimental studies and prediction algorithms are not available or were not evaluated, and the functional significance of this variant is currently unknown. In summary, the available evidence is currently insufficient to determine the role of this variant in disease. Therefore, it has been classified as a Variant of Uncertain Significance.

Ambry Genetics
Classification: Uncertain significance for Cardiovascular phenotype. Last evaluated: 2025-09-29. Review status: criteria provided, single submitter. Criteria: Ambry Variant Classification Scheme 2023. Collection method: clinical testing. Allele origin: germline.
Comment: The c.581_586delCGCCCG variant (also known as p.A194_P195del) is located in coding exon 1 of the FOXE3 gene. This variant results from an in-frame CGCCCG deletion at nucleotide positions 581 to 586. This results in the in-frame deletion of two amino acids at codons 194 to 195. The amino acid region is not well conserved in available vertebrate species. In addition, this alteration is predicted to be neutral by in silico analysis (Choi Y et al. PLoS ONE. 2012; 7(10):e46688). Since supporting evidence is limited at this time, the clinical significance of this alteration remains unclear.

PreventionGenetics, part of Exact Sciences
Classification: Uncertain significance for FOXE3-related condition. Last evaluated: 2025-09-09. Review status: criteria provided, single submitter. Criteria: ACMG Guidelines, 2015. Collection method: clinical testing. Allele origin: germline.
Comment: The FOXE3 c.581_586del6 variant is predicted to result in an in-frame deletion (p.Ala194_Pro195del). To our knowledge, this variant has not been reported in the literature. This variant is present in 0.0066% of alleles in individuals of European (Non-Finnish) descent in gnomAD. At this time, the clinical significance of this variant is uncertain due to the absence of conclusive functional and genetic evidence.

Blueprint Genetics
Classification: Uncertain significance. Last evaluated: 2022-12-30. Review status: criteria provided, single submitter. Criteria: ACMG Guidelines, 2015. Collection method: clinical testing. Allele origin: germline.

Department of Pathology and Laboratory Medicine, Sinai Health System
Classification: Uncertain significance for familial thoracic aortic aneurysm and aortic dissection. Last evaluated: 2020-08-31. Review status: criteria provided, single submitter. Criteria: ACMG Guidelines, 2015. Collection method: research. Allele origin: germline.

NM_012186.3(FOXE3):c.575CGCCCG[1] (p.192AP[1])

Genes: FOXE3 (forkhead box E3; plus strand), LINC01389 (long independently transcribed non-coding RNA 1389; minus strand). Cytogenetic location: 1p33.
Variant type: Microsatellite.
Coding change: c.575CGCCCG[1] on transcript NM_012186.3 (MANE Select); one copy of the 6-base unit CGCCCG starting at c.575; the reference has two copies in a row; one copy, 6 bases deleted; also written c.581_586del.
Protein change: p.192AP[1].
Molecular consequence: inframe deletion.
Genome position (GRCh38, 1-based): chr1:47,416,896-47,416,901, CGCCCG deleted; deleting any 6 consecutive bases within chr1:47,416,888-47,416,901 gives the same sequence; the position shown is the placement nearest the transcript's 3' end. VCF-style (leftmost placement, unchanged base first): chr1-47416887-ACGCGCC-A. GRCh37 (hg19) VCF-style: chr1-47882559-ACGCGCC-A.
Other names: c.573_578del (NM_012186.3); c.581_586del6 (NM_012186.2); c.581_586del (NM_012186.2).
Identifiers: ClinVar variation 655743 (VCV000655743.16), dbSNP rs1336140217, ClinGen allele CA522813509.